The following is an entry in ClinVar:

ClinVar aggregate classification (germline): Uncertain significance (1 of 4 stars; one submission).

Submission:

Labcorp Genetics (formerly Invitae), Labcorp
Classification: Uncertain significance. Last evaluated: 2025-09-28. Review status: criteria provided, single submitter. Criteria: Invitae Variant Classification Sherloc (09022015). Collection method: clinical testing. Allele origin: germline.
Comment: This sequence change creates a premature translational stop signal (p.Asn608Thrfs*15) in the TFRC gene. It is expected to result in an absent or disrupted protein product. However, the current clinical and genetic evidence is not sufficient to establish whether loss-of-function variants in TFRC cause disease. This variant is present in population databases (rs751420390, gnomAD 0.002%). This variant has not been reported in the literature in individuals affected with TFRC-related conditions. ClinVar contains an entry for this variant (Variation ID: 3621827). In summary, the available evidence is currently insufficient to determine the role of this variant in disease. Therefore, it has been classified as a Variant of Uncertain Significance.

NM_001128148.3(TFRC):c.1823del (p.Asn608fs)

Gene: TFRC (transferrin receptor; minus strand). Cytogenetic location: 3q29.
Variant type: Deletion.
Coding change: c.1823del on transcript NM_001128148.3 (MANE Select); coding-DNA position 1823, one base deleted (A; older notation c.1823delA).
Protein change: p.Asn608fs; shifts the reading frame from asparagine 608.
Molecular consequence: frameshift variant.
Genome position (GRCh38, 1-based): chr3:196,055,156, T deleted on the plus strand (A on the coding strand, the reverse complement: TFRC is on the minus strand); the first of 2 consecutive T bases (chr3:196,055,156-196,055,157); deleting either gives the same sequence. VCF-style (leftmost placement, unchanged base first): chr3-196055155-GT-G. GRCh37 (hg19) VCF-style: chr3-195782026-GT-G.
Other names: c.1580del, p.Asn527fs (NM_001313965.2); c.977del, p.Asn326fs (NM_001313966.2); c.1823del, p.Asn608fs (NM_003234.4); short protein forms N326fs, N527fs, N608fs.
Identifiers: ClinVar variation 3621827 (VCV003621827.2).